The following is an entry in ClinVar:

NM_020937.4(FANCM):c.2734A>G (p.Ile912Val)

Gene: FANCM (FA complementation group M; plus strand). Cytogenetic location: 14q21.2.
Variant type: single nucleotide variant.
Coding change: c.2734A>G on transcript NM_020937.4 (MANE Select); coding-DNA position 2734, A replaced by G.
Protein change: p.Ile912Val; replaces isoleucine 912 with valine.
Molecular consequence: missense variant.
Genome position (GRCh38, 1-based): chr14:45,175,488, A>G. VCF-style: chr14-45175488-A-G. GRCh37 (hg19) VCF-style: chr14-45644691-A-G.
Other names: c.2734A>G (LRG_502t1, NM_020937.3); c.2656A>G, p.Ile886Val (NM_001308133.2); short protein forms I912V, I886V.
Identifiers: ClinVar variation 313208 (VCV000313208.11), dbSNP rs45568842, ClinGen allele CA7169400.

ClinVar aggregate classification (germline): Conflicting classifications of pathogenicity. Review status: criteria provided, conflicting classifications (1 of 4 stars). 4 submissions from 4 submitters: Uncertain significance (3); Likely benign (1). Last evaluated 2025-08-21.

Conditions:
Fanconi anemia (FA). Also called: Fanconi's anemia. Identifiers: Orphanet 84, MedGen C0015625, MeSH D005199, MONDO:0019391.

Allele frequency attached by ClinVar (database versions not stated): ExAC 0.00001; gnomAD exomes 0.00001 and 0.00005; gnomAD 0.00002 and 0.00003; TOPMed 0.00002; ESP Exome Variant Server 0.00008; 1000 Genomes Project 30x 0.00016.
gnomAD v4.1: 76 of 1,612,702 alleles (0.0047%); highest among the groups gnomAD compares: Middle Eastern, 0.017%; no homozygotes.

Submissions (4):

Labcorp Genetics (formerly Invitae), Labcorp
Classification: Uncertain significance for Fanconi anemia. Last evaluated: 2025-08-21. Review status: criteria provided, single submitter. Criteria: Invitae Variant Classification Sherloc (09022015). Collection method: clinical testing. Allele origin: germline.
Comment: This sequence change replaces isoleucine, which is neutral and non-polar, with valine, which is neutral and non-polar, at codon 912 of the FANCM protein (p.Ile912Val). This variant is present in population databases (rs45568842, gnomAD 0.003%). This variant has not been reported in the literature in individuals affected with FANCM-related conditions. ClinVar contains an entry for this variant (Variation ID: 313208). An algorithm developed to predict the effect of missense changes on protein structure and function outputs the following: PolyPhen-2: "Benign". The valine amino acid residue is found in multiple mammalian species, which suggests that this missense change does not adversely affect protein function. In summary, the available evidence is currently insufficient to determine the role of this variant in disease. Therefore, it has been classified as a Variant of Uncertain Significance.

Quest Diagnostics Nichols Institute San Juan Capistrano
Classification: Uncertain significance. Last evaluated: 2025-01-03. Review status: criteria provided, single submitter. Criteria: Quest Diagnostics criteria. Collection method: clinical testing. Allele origin: unknown.
Comment: The FANCM c.2734A>G (p.Ile912Val) variant has been reported in the published literature in individuals with breast cancer (PMID: 33471991 (2021), see also LOVD). This variant has also been identified in reportedly healthy individuals (PMID: 33471991 (2021), 29641532 (2018), see also LOVD). The frequency of this variant in the general population (Genome Aggregation Database) is uninformative in the assessment of its pathogenicity. Analysis of this variant using bioinformatics tools for the prediction of the effect of amino acid changes on protein structure and function yielded predictions that this variant is benign. Based on the available information, we are unable to determine the clinical significance of this variant.

Blueprint Genetics
Classification: Likely benign. Last evaluated: 2024-08-19. Review status: criteria provided, single submitter. Criteria: ACMG Guidelines, 2015. Collection method: clinical testing. Allele origin: germline.

GeneDx
Classification: Uncertain significance. Last evaluated: 2023-04-17. Review status: criteria provided, single submitter. Criteria: GeneDx Variant Classification Process June 2021. Collection method: clinical testing. Allele origin: germline. Affected: yes.
Comment: Not observed at significant frequency in large population cohorts (gnomAD); In silico analysis supports that this missense variant does not alter protein structure/function; Has not been previously published as pathogenic or benign to our knowledge

Literature cited by the submitters: PubMed 33471991 (cited by Quest Diagnostics Nichols Institute San Juan Capistrano); PubMed 29641532 (cited by Quest Diagnostics Nichols Institute San Juan Capistrano).